The following is an entry in ClinVar:

ClinVar aggregate classification (germline): other (4 of 4 stars; one submission).

Conditions:
Huntington disease (HD). Also called: HUNTINGTON CHOREA; Huntington's chorea; Huntington's disease. Identifiers: Orphanet 248111, Orphanet 399, MedGen C0020179, MONDO:0007739, OMIM 143100.

Submission:

American College of Medical Genetics and Genomics  (ACMG)
Classification: other for Huntington disease. Last evaluated: 2014-07-31. Review status: practice guideline. Criteria: ACMG Guidelines for Huntington disease, 2014. Collection method: curation. Allele origin: germline. Inheritance: Autosomal dominant inheritance. Affected: yes.
Comment: Alleles in this size range are meiotically unstable and are associated with the HD phenotype in both clinically and neuropathologically documented cases.

NC_000004.11:g.3076606GCA[36_39]

Gene: HTT (huntingtin; plus strand). Cytogenetic location: 4p16.3.
Variant type: Microsatellite.
Identifiers: ClinVar variation 812582 (VCV000812582.2).